The following is an entry in ClinVar:

ClinVar aggregate classification (germline): Pathogenic/Likely pathogenic. Review status: criteria provided, multiple submitters, no conflicts (2 of 4 stars). 5 submissions from 5 submitters: Pathogenic (2); Likely pathogenic (2). 1 of the submissions does not count toward it. Last evaluated 2025-10-20.

Conditions:
PMM2-congenital disorder of glycosylation. Also called: CARBOHYDRATE-DEFICIENT GLYCOPROTEIN SYNDROME, TYPE Ia; Congenital disorder of glycosylation, type Ia; PMM2-CDG; CDG Ia; JAEKEN SYNDROME; PHOSPHOMANNOMUTASE 2 DEFICIENCY. Identifiers: Orphanet 79318, MedGen C0349653, MONDO:0008907, OMIM 212065.

Allele frequency attached by ClinVar (database versions not stated): gnomAD exomes below 0.00001.

Submissions (5):

Natera, Inc.
Classification: Pathogenic for Congenital disorder of glycosylation type 1a. Last evaluated: 2025-10-20. Review status: criteria provided, single submitter. Criteria: Natera Variant Classification Schema (03/2026). Collection method: clinical testing. Allele origin: germline.
Comment: The c.1A>G variant in PMM2 is predicted to result in start loss due to disruption of the initiator methionine. This variant is expected to result in nonsense mediated decay, truncation, or a dysfunctional protein product. This variant is rare in the general population with a frequency below the threshold expected for the associated phenotype(s). This variant has been observed in one or more individuals affected with the associated recessive disease, as either homozygous or compound heterozygous with a second variant (PMID: 18948042). Given the available evidence, this variant is classified as Pathogenic.

Labcorp Genetics (formerly Invitae), Labcorp
Classification: Pathogenic for PMM2-congenital disorder of glycosylation. Last evaluated: 2025-03-06. Review status: criteria provided, single submitter. Criteria: Invitae Variant Classification Sherloc (09022015). Collection method: clinical testing. Allele origin: germline.
Comment: This sequence change affects the initiator methionine of the PMM2 mRNA. The next in-frame methionine is located at codon 28. This variant is present in population databases (rs786204591, gnomAD 0.0009%). Disruption of the initiator codon has been observed in individual(s) with PMM2-congenital disorder of glycosylation (PMID: 18948042). ClinVar contains an entry for this variant (Variation ID: 188965). This variant disrupts the p.Gly15 amino acid residue in PMM2. Other variant(s) that disrupt this residue have been determined to be pathogenic (PMID: 12626389, 28454995; internal data). This suggests that this residue is clinically significant, and that variants that disrupt this residue are likely to be disease-causing. For these reasons, this variant has been classified as Pathogenic.

Myriad Genetics, Inc.
Classification: Likely pathogenic for PMM2-congenital disorder of glycosylation. Last evaluated: 2025-01-10. Review status: criteria provided, single submitter. Criteria: Myriad Autosomal Dominant, Autosomal Recessive and X-Linked Classification Criteria (2023). Collection method: clinical testing. Allele origin: unknown.
Comment: NM_000303.2(PMM2):c.1A>G(M1?) is an initiation codon variant classified as likely pathogenic in the context of congenital disorder of glycosylation, PMM2-related. M1? has been observed in a case with relevant disease (PMID: 18948042). Relevant functional assessments of this variant are available in the literature (PMID: 22223895, 22814378, 9710598). M1? has been observed in referenced population frequency databases. In summary, NM_000303.2(PMM2):c.1A>G(M1?) is an initiation codon variant that has both functional and internal structural support for pathogenicity and has been observed more frequently in cases with the relevant disease than in healthy populations. Please note: this variant was assessed in the context of healthy population screening.

Fulgent Genetics
Classification: Likely pathogenic for PMM2-congenital disorder of glycosylation. Last evaluated: 2024-05-23. Review status: criteria provided, single submitter. Criteria: ACMG Guidelines, 2015. Collection method: clinical testing. Allele origin: germline.

Counsyl
Classification: Likely pathogenic for Carbohydrate-deficient glycoprotein syndrome type I. Last evaluated: 2014-09-12. Review status: no assertion criteria provided. Collection method: literature only. Allele origin: unknown. Inheritance: Autosomal recessive inheritance. Not counted in ClinVar's aggregate classification.

Literature cited by the submitters: PubMed 18948042 (cited by 4 submitters); PubMed 12626389 (cited by Labcorp Genetics (formerly Invitae), Labcorp); PubMed 28454995 (cited by Labcorp Genetics (formerly Invitae), Labcorp); PubMed 22223895 (cited by Myriad Genetics, Inc. and Counsyl); PubMed 22814378 (cited by Myriad Genetics, Inc. and Counsyl); PubMed 9710598 (cited by Myriad Genetics, Inc. and Counsyl); PubMed 23430838 (cited by Counsyl).

NM_000303.3(PMM2):c.1A>G (p.Met1Val)

Gene: PMM2 (phosphomannomutase 2; plus strand). Cytogenetic location: 16p13.2.
Variant type: single nucleotide variant.
Coding change: c.1A>G on transcript NM_000303.3 (MANE Select); coding-DNA position 1, A replaced by G.
Protein change: p.Met1Val; changes the start codon (methionine 1).
Molecular consequence: missense variant, initiator codon variant.
Genome position (GRCh38, 1-based): chr16:8,797,883, A>G. VCF-style: chr16-8797883-A-G. GRCh37 (hg19) VCF-style: chr16-8891740-A-G.
Other names: short protein forms M1V.
Identifiers: ClinVar variation 188965 (VCV000188965.20), dbSNP rs786204591, ClinGen allele CA274193.